The following is an entry in ClinVar:

NM_022124.6(CDH23):c.1418T>A (p.Val473Asp)

Gene: CDH23 (cadherin related 23; plus strand). Cytogenetic location: 10q22.1.
Variant type: single nucleotide variant.
Coding change: c.1418T>A on transcript NM_022124.6 (MANE Select); coding-DNA position 1418, T replaced by A.
Protein change: p.Val473Asp; replaces valine 473 with aspartic acid.
Molecular consequence: missense variant.
Genome position (GRCh38, 1-based): chr10:71,646,586, T>A. VCF-style: chr10-71646586-T-A. GRCh37 (hg19) VCF-style: chr10-73406343-T-A.
Other names: c.1418T>A, p.Val473Asp (NM_001171930.2, NM_001171931.2, NM_052836.4); short protein forms V473D.
Identifiers: ClinVar variation 5007732 (VCV005007732.2).

ClinVar aggregate classification (germline): Uncertain significance (1 of 4 stars; one submission).

Conditions:
Usher syndrome type 1D (USH1D). Also called: USHER SYNDROME, TYPE ID. Identifiers: Orphanet 231169, Orphanet 886, MedGen C1832845, MONDO:0010984, OMIM 601067.

gnomAD v4.1: 1 of 1,613,946 alleles (0.000062%); highest among the groups gnomAD compares: South Asian, 0.0011%; no homozygotes.

Submission:

Juno Genomics, Hangzhou Juno Genomics, Inc
Classification: Uncertain significance for Usher syndrome type 1D. Review status: criteria provided, single submitter. Criteria: ACMG Guidelines, 2015. Collection method: clinical testing. Allele origin: germline.
Comment: Absent from controls (or at extremely low frequency if recessive) in Genome Aggregation Database.